The following is an entry in ClinVar:

NM_007294.4(BRCA1):c.228T>G (p.Ser76Arg)

Gene: BRCA1 (BRCA1 DNA repair associated; minus strand). Cytogenetic location: 17q21.31.
Variant type: single nucleotide variant.
Coding change: c.228T>G on transcript NM_007294.4 (MANE Select); coding-DNA position 228, T replaced by G.
Protein change: p.Ser76Arg; replaces serine 76 with arginine.
Molecular consequence: missense variant. On other transcripts: non-coding transcript variant (1).
Genome position (GRCh38, 1-based): chr17:43,104,941, A>C on the plus strand (T>G on the coding strand, the complement: BRCA1 is on the minus strand). VCF-style: chr17-43104941-A-C. GRCh37 (hg19) VCF-style: chr17-41256958-A-C.
Other names: c.228T>G, p.Ser76Arg (NM_001408418.1, NM_001408419.1, NM_001408420.1 and 168 more transcripts); c.87T>G, p.Ser29Arg (NM_001407692.1, NM_001407694.1, NM_001407695.1 and 99 more transcripts); c.18T>G, p.Ser6Arg (NM_001407853.1, NM_001407879.1, NM_001407881.1 and 58 more transcripts); c.150T>G, p.Ser50Arg (NM_001407862.1, NM_001407874.1, NM_001407875.1 and 21 more transcripts); c.-154T>G (NM_001407959.1, NM_001407960.1, NM_001407962.1 and 4 more transcripts); c.96T>G, p.Ser32Arg (NM_001408451.1); short protein forms S29R, S76R, S32R, S50R, S6R.
Identifiers: ClinVar variation 821040 (VCV000821040.8), dbSNP rs1597898400, ClinGen allele CA10601703.

ClinVar aggregate classification (germline): Uncertain significance. Review status: criteria provided, multiple submitters, no conflicts (2 of 4 stars). 2 submissions from 2 submitters: Uncertain significance (2). Last evaluated 2023-05-05.

Conditions:
Hereditary breast ovarian cancer syndrome. Also called: Hereditary breast and/or ovarian cancer syndrome; BRCA1- and BRCA2-Associated Hereditary Breast and Ovarian Cancer; Hereditary breast and ovarian cancer syndrome; Hereditary breast and ovarian cancer; Hereditary breast and ovarian cancer syndrome (HBOC); Breast and ovarian cancer. Identifiers: Orphanet 145, MedGen C0677776, MeSH D061325, MONDO:0003582. Disease mechanism: loss of function.
Hereditary cancer-predisposing syndrome. Also called: Neoplastic Syndromes, Hereditary; Tumor predisposition; Hereditary Cancer Syndrome; Hereditary neoplastic syndrome. Identifiers: Orphanet 140162, MedGen C0027672, MeSH D009386, MONDO:0015356.

Submissions (2):

Labcorp Genetics (formerly Invitae), Labcorp
Classification: Uncertain significance for Hereditary breast ovarian cancer syndrome. Last evaluated: 2023-05-05. Review status: criteria provided, single submitter. Criteria: Invitae Variant Classification Sherloc (09022015). Collection method: clinical testing. Allele origin: germline.
Comment: In summary, the available evidence is currently insufficient to determine the role of this variant in disease. Therefore, it has been classified as a Variant of Uncertain Significance. Advanced modeling performed at Invitae incorporating data from internal and/or published experimental studies (PMID: 30209399) indicates that this missense variant is not expected to disrupt BRCA1 function. ClinVar contains an entry for this variant (Variation ID: 821040). This variant has not been reported in the literature in individuals affected with BRCA1-related conditions. This variant is not present in population databases (gnomAD no frequency). This sequence change replaces serine, which is neutral and polar, with arginine, which is basic and polar, at codon 76 of the BRCA1 protein (p.Ser76Arg).

Ambry Genetics
Classification: Uncertain significance for Hereditary cancer-predisposing syndrome. Last evaluated: 2018-11-12. Review status: criteria provided, single submitter. Criteria: Ambry Variant Classification Scheme 2023. Collection method: clinical testing. Allele origin: germline.
Comment: The p.S76R variant (also known as c.228T>G), located in coding exon 4 of the BRCA1 gene, results from a T to G substitution at nucleotide position 228. The serine at codon 76 is replaced by arginine, an amino acid with dissimilar properties. This amino acid position is well conserved in available vertebrate species. In addition, this alteration is predicted to be deleterious by in silico analysis. Since supporting evidence is limited at this time, the clinical significance of this alteration remains unclear.

Literature cited by the submitters: PubMed 30209399 (cited by Labcorp Genetics (formerly Invitae), Labcorp).